The following is an entry in ClinVar:

ClinVar aggregate classification (germline): Likely pathogenic (1 of 4 stars; one submission).

Conditions:
Microcephaly, normal intelligence and immunodeficiency (NBS). Also called: Ataxia telangiectasia variant V1; Nijmegen breakage syndrome; Immunodeficiency, microcephaly with normal intelligence; IMMUNODEFICIENCY, MICROCEPHALY, AND CHROMOSOMAL INSTABILITY; SEEMANOVA SYNDROME II; BERLIN BREAKAGE SYNDROME. Identifiers: Orphanet 647, MedGen C0398791, MONDO:0009623, OMIM 251260.

Submission:

Labcorp Genetics (formerly Invitae), Labcorp
Classification: Likely pathogenic for Microcephaly, normal intelligence and immunodeficiency. Last evaluated: 2023-07-16. Review status: criteria provided, single submitter. Criteria: Invitae Variant Classification Sherloc (09022015). Collection method: clinical testing. Allele origin: germline.
Comment: This variant is a gross deletion of the genomic region encompassing exon(s) 13 of the NBN gene. This variant would be expected to be in-frame, preserving the integrity of the reading frame. This variant has not been reported in the literature in individuals affected with NBN-related conditions. This variant disrupts the MRE11 interaction domain of the NBN protein, which has been shown to be essential for viability and tumor suppression (PMID: 28076792). While functional studies have not been performed to directly test the effect of this variant on NBN protein function, this suggests that disruption of this region of the protein is causative of disease. In summary, the currently available evidence indicates that the variant is pathogenic, but additional data are needed to prove that conclusively. Therefore, this variant has been classified as Likely Pathogenic.

Literature cited by the submitters: PubMed 28076792.

NC_000008.11:g.(?_89946130)_(89946305_?)del

Gene: NBN (nibrin; minus strand). Cytogenetic location: 8q21.3.
Variant type: Deletion.
Identifiers: ClinVar variation 832481 (VCV000832481.3).